The following is an entry in ClinVar:

ClinVar aggregate classification (germline): Uncertain significance. Review status: criteria provided, multiple submitters, no conflicts (2 of 4 stars). 2 submissions from 2 submitters: Uncertain significance (2). Last evaluated 2024-06-21.

Conditions:
Hereditary cancer-predisposing syndrome. Also called: Neoplastic Syndromes, Hereditary; Tumor predisposition; Hereditary Cancer Syndrome; Hereditary neoplastic syndrome. Identifiers: Orphanet 140162, MedGen C0027672, MeSH D009386, MONDO:0015356.

Submissions (2):

GeneDx
Classification: Uncertain significance. Last evaluated: 2024-06-21. Review status: criteria provided, single submitter. Criteria: GeneDx Variant Classification Process June 2021. Collection method: clinical testing. Allele origin: germline. Affected: yes.
Comment: In silico analysis is inconclusive as to whether the variant alters gene splicing. In the absence of RNA/functional studies, the actual effect of this sequence change is unknown.; Not observed at significant frequency in large population cohorts (gnomAD); Has not been previously published as pathogenic or benign to our knowledge

Ambry Genetics
Classification: Uncertain significance for Hereditary cancer-predisposing syndrome. Last evaluated: 2024-02-15. Review status: criteria provided, single submitter. Criteria: Ambry Variant Classification Scheme 2023. Collection method: clinical testing. Allele origin: germline.
Comment: The c.3359+4_3359+6delAGCinsGGT intronic variant, located in intron 20 of the ALK gene, results from the deletion of 3 nucleotides (ACG) and the insertion of 3 nucleotides (GGT) at nucleotide positions 3359+4 to 3359+6. These nucleotide positions are not well conserved in available vertebrate species. In silico splice site analysis predicts that this alteration will not have any significant effect on splicing. Based on the available evidence, the clinical significance of this alteration remains unclear.

NM_004304.5(ALK):c.3359+4_3359+6delinsGGT

Gene: ALK (ALK receptor tyrosine kinase; minus strand). Cytogenetic location: 2p23.2.
Variant type: Indel.
Coding change: c.3359+4_3359+6delinsGGT on transcript NM_004304.5 (MANE Select); bases 4 to 6 of the intron after coding-DNA position 3359, AGC replaced by GGT.
Molecular consequence: intron variant.
Genome position (GRCh38, 1-based): chr2:29,223,336-29,223,338, GCT replaced by ACC on the plus strand (AGC replaced by GGT on the coding strand, the reverse complement: ALK is on the minus strand). VCF-style: chr2-29223336-GCT-ACC. GRCh37 (hg19) VCF-style: chr2-29446202-GCT-ACC.
Other names: c.155+4_155+6delinsGGT (NM_001353765.2).
Identifiers: ClinVar variation 1730573 (VCV001730573.3), dbSNP rs2465954954, ClinGen allele CA2580066337.
Genomic context (GRCh38, chr2:29,223,336, plus strand): 5'-TGCTGTGATAACATTCAGCCCCTACACTGCACCCCTCTCCTCCCAGGACGGCAGCAGGGC[GCT>ACC]CACCGAATGAGGGTGATGTTTTTCCGCGGCACCTCCTTCAGGTCACTGATGGAGGAGGTC-3'